The following is an entry in ClinVar:

NM_014319.5(LEMD3):c.2699T>C (p.Leu900Pro)

Gene: LEMD3 (LEM domain containing 3; plus strand). Cytogenetic location: 12q14.3.
Variant type: single nucleotide variant.
Coding change: c.2699T>C on transcript NM_014319.5 (MANE Select); coding-DNA position 2699, T replaced by C.
Protein change: p.Leu900Pro; replaces leucine 900 with proline.
Molecular consequence: missense variant.
Genome position (GRCh38, 1-based): chr12:65,246,288, T>C. VCF-style: chr12-65246288-T-C. GRCh37 (hg19) VCF-style: chr12-65640068-T-C.
Other names: c.2696T>C, p.Leu899Pro (NM_001167614.2); short protein forms L899P, L900P.
Identifiers: ClinVar variation 1991204 (VCV001991204.6), dbSNP rs931001594, ClinGen allele CA238915747.
Genomic context (GRCh38, chr12:65,246,288, plus strand): 5'-CTTCCAACACTCCATTGAAGCCATCAAATAAACATATGAACTCCATGTCTCATCTTCGTC[T>C]TCGGACTGGCCTAACCAATTCTCAAGGAAGTTCCTGAAAAGATTTTCTTCCATTTCTAAG-3'
Protein context (NP_055134.2, residues 890-910): KHMNSMSHLR[Leu900Pro]RTGLTNSQGS

ClinVar aggregate classification (germline): Uncertain significance. Review status: criteria provided, multiple submitters, no conflicts (2 of 4 stars). 2 submissions from 2 submitters: Uncertain significance (2). Last evaluated 2025-11-01.

Conditions:
Inborn genetic diseases. Identifiers: MedGen C0950123, MeSH D030342.

Allele frequency attached by ClinVar (database versions not stated): gnomAD exomes 0.00001; gnomAD 0.00002; TOPMed 0.00002.
gnomAD v4.1: 15 of 1,613,650 alleles (0.00093%); highest among the groups gnomAD compares: East Asian, 0.0089%; 1 homozygote.

Submissions (2):

Labcorp Genetics (formerly Invitae), Labcorp
Classification: Uncertain significance. Last evaluated: 2025-11-01. Review status: criteria provided, single submitter. Criteria: Invitae Variant Classification Sherloc (09022015). Collection method: clinical testing. Allele origin: germline.
Comment: This sequence change replaces leucine, which is neutral and non-polar, with proline, which is neutral and non-polar, at codon 900 of the LEMD3 protein (p.Leu900Pro). This variant is present in population databases (no rsID available, gnomAD 0.02%), including at least one homozygous and/or hemizygous individual. This variant has not been reported in the literature in individuals affected with LEMD3-related conditions. ClinVar contains an entry for this variant (Variation ID: 1991204). An algorithm developed to predict the effect of missense changes on protein structure and function (PolyPhen-2) suggests that this variant is likely to be disruptive. In summary, the available evidence is currently insufficient to determine the role of this variant in disease. Therefore, it has been classified as a Variant of Uncertain Significance.

Ambry Genetics
Classification: Uncertain significance for Inborn genetic diseases. Last evaluated: 2025-08-20. Review status: criteria provided, single submitter. Criteria: Ambry Variant Classification Scheme 2023. Collection method: clinical testing. Allele origin: germline.